The following is an entry in ClinVar:

NM_000834.5(GRIN2B):c.1714G>A (p.Val572Met)

Gene: GRIN2B (glutamate ionotropic receptor NMDA type subunit 2B; minus strand). Cytogenetic location: 12p13.1.
Variant type: single nucleotide variant.
Coding change: c.1714G>A on transcript NM_000834.5 (MANE Select); coding-DNA position 1714, G replaced by A.
Protein change: p.Val572Met; replaces valine 572 with methionine.
Molecular consequence: missense variant.
Genome position (GRCh38, 1-based): chr12:13,611,791, C>T on the plus strand (G>A on the coding strand, the complement: GRIN2B is on the minus strand). VCF-style: chr12-13611791-C-T. GRCh37 (hg19) VCF-style: chr12-13764725-C-T.
Other names: c.1714G>A, p.Val572Met (NM_001413992.1); short protein forms V572M.
Identifiers: ClinVar variation 2922916 (VCV002922916.3), dbSNP rs750935831, ClinGen allele CA6461187.

ClinVar aggregate classification (germline): Uncertain significance (1 of 4 stars; one submission).

Conditions:
Intellectual developmental disorder, autosomal dominant 6, with or without seizures. Also called: GRIN2B-related developmental delay, intellectual disability and autism spectrum disorder; Intellectual disability, autosomal dominant 6. Identifiers: Orphanet 589547, MedGen C3151411, MONDO:0013509, OMIM 613970.
Developmental and epileptic encephalopathy, 27 (DEE27). Also called: Epileptic encephalopathy, early infantile, 27; GRIN2B-Related Neurodevelopmental Disorder. Identifiers: Orphanet 3451, MedGen C4015316, MONDO:0014505, OMIM 616139.

Allele frequency attached by ClinVar (database versions not stated): gnomAD exomes 0.00001; ExAC 0.00002.
gnomAD v4.1: 12 of 1,613,104 alleles (0.00074%); highest among the groups gnomAD compares: East Asian, 0.0022%; no homozygotes.

Submission:

Labcorp Genetics (formerly Invitae), Labcorp
Classification: Uncertain significance for Developmental and epileptic encephalopathy, 27; Intellectual developmental disorder, autosomal dominant 6, with or without seizures. Last evaluated: 2024-02-29. Review status: criteria provided, single submitter. Criteria: Invitae Variant Classification Sherloc (09022015). Collection method: clinical testing. Allele origin: germline.
Comment: This sequence change replaces valine, which is neutral and non-polar, with methionine, which is neutral and non-polar, at codon 572 of the GRIN2B protein (p.Val572Met). This variant is present in population databases (rs750935831, gnomAD 0.006%). This variant has not been reported in the literature in individuals affected with GRIN2B-related conditions. Advanced modeling of protein sequence and biophysical properties (such as structural, functional, and spatial information, amino acid conservation, physicochemical variation, residue mobility, and thermodynamic stability) has been performed at Invitae for this missense variant, however the output from this modeling did not meet the statistical confidence thresholds required to predict the impact of this variant on GRIN2B protein function. In summary, the available evidence is currently insufficient to determine the role of this variant in disease. Therefore, it has been classified as a Variant of Uncertain Significance.